The following is an entry in ClinVar:

ClinVar aggregate classification (germline): Uncertain significance. Review status: criteria provided, single submitter (1 of 4 stars). 2 submissions from 2 submitters: Uncertain significance (1). 1 of the submissions does not count toward it. Last evaluated 2022-10-17.

Conditions:
Glycogen storage disease, type II (IOPD). Also called: GLYCOGENOSIS, GENERALIZED, CARDIAC FORM; GSD II; Glycogen storage disease type 2; Acid maltase deficiency disease; Aglucosidase alfa; Deficiency of alpha-glucosidase. Identifiers: Orphanet 365, MedGen C0017921, MONDO:0009290, OMIM 232300.

Allele frequency attached by ClinVar (database versions not stated): gnomAD exomes 0.00003; ExAC 0.00007.

Submissions (2):

Labcorp Genetics (formerly Invitae), Labcorp
Classification: Uncertain significance for Glycogen storage disease, type II. Last evaluated: 2022-10-17. Review status: criteria provided, single submitter. Criteria: Invitae Variant Classification Sherloc (09022015). Collection method: clinical testing. Allele origin: germline.
Comment: In summary, the available evidence is currently insufficient to determine the role of this variant in disease. Therefore, it has been classified as a Variant of Uncertain Significance. Advanced modeling of protein sequence and biophysical properties (such as structural, functional, and spatial information, amino acid conservation, physicochemical variation, residue mobility, and thermodynamic stability) performed at Invitae indicates that this missense variant is not expected to disrupt GAA protein function. ClinVar contains an entry for this variant (Variation ID: 1004192). This variant has not been reported in the literature in individuals affected with GAA-related conditions. This variant is present in population databases (rs745963730, gnomAD 0.007%). This sequence change replaces isoleucine, which is neutral and non-polar, with phenylalanine, which is neutral and non-polar, at codon 98 of the GAA protein (p.Ile98Phe).

Natera, Inc.
Classification: Uncertain significance for Glycogen storage disease type II. Last evaluated: 2020-01-17. Review status: no assertion criteria provided. Collection method: clinical testing. Allele origin: germline. Not counted in ClinVar's aggregate classification.

NM_000152.5(GAA):c.292A>T (p.Ile98Phe)

Gene: GAA (alpha glucosidase; plus strand). Cytogenetic location: 17q25.3.
Variant type: single nucleotide variant.
Coding change: c.292A>T on transcript NM_000152.5 (MANE Select); coding-DNA position 292, A replaced by T.
Protein change: p.Ile98Phe; replaces isoleucine 98 with phenylalanine.
Molecular consequence: missense variant.
Genome position (GRCh38, 1-based): chr17:80,104,878, A>T. VCF-style: chr17-80104878-A-T. GRCh37 (hg19) VCF-style: chr17-78078677-A-T.
Other names: c.292A>T, p.Ile98Phe (NM_001079803.3, NM_001079804.3); short protein forms I98F.
Identifiers: ClinVar variation 1004192 (VCV001004192.9), dbSNP rs745963730, ClinGen allele CA8814841.